The following is an entry in ClinVar:

ClinVar aggregate classification (germline): Uncertain significance (1 of 4 stars; one submission).

Allele frequency attached by ClinVar (database versions not stated): ExAC 0.00001; gnomAD 0.00001; gnomAD exomes 0.00001; TOPMed 0.00001.
gnomAD v4.1: 11 of 1,476,418 alleles (0.00075%); highest among the groups gnomAD compares: South Asian, 0.0043%; no homozygotes.

Submission:

GeneDx
Classification: Uncertain significance. Last evaluated: 2022-01-25. Review status: criteria provided, single submitter. Criteria: GeneDx Variant Classification Process June 2021. Collection method: clinical testing. Allele origin: germline. Affected: yes.
Comment: In silico analysis supports that this missense variant has a deleterious effect on protein structure/function; Has not been previously published as pathogenic or benign to our knowledge

NM_001321075.3(DLG4):c.1958G>A (p.Arg653His)

Gene: DLG4 (discs large MAGUK scaffold protein 4; minus strand). Cytogenetic location: 17p13.1.
Variant type: single nucleotide variant.
Coding change: c.1958G>A on transcript NM_001321075.3 (MANE Select); coding-DNA position 1958, G replaced by A.
Protein change: p.Arg653His; replaces arginine 653 with histidine.
Molecular consequence: missense variant.
Genome position (GRCh38, 1-based): chr17:7,191,911, C>T on the plus strand (G>A on the coding strand, the complement: DLG4 is on the minus strand). VCF-style: chr17-7191911-C-T. GRCh37 (hg19) VCF-style: chr17-7095230-C-T.
Other names: c.1949G>A, p.Arg650His (NM_001128827.4); c.2078G>A, p.Arg693His (NM_001321074.1); c.1778G>A, p.Arg593His (NM_001321076.3, NM_001321077.3); c.2087G>A, p.Arg696His (NM_001365.5); c.1877G>A, p.Arg626His (NM_001369566.3); short protein forms R593H, R626H, R650H, R653H, R693H, R696H.
Identifiers: ClinVar variation 1698287 (VCV001698287.2), dbSNP rs756267089, ClinGen allele CA8336797.